The following is an entry in ClinVar:

ClinVar aggregate classification (germline): Likely benign. Review status: criteria provided, multiple submitters, no conflicts (2 of 4 stars). 3 submissions from 3 submitters: Likely benign (3). Last evaluated 2024-03-04.

Allele frequency attached by ClinVar (database versions not stated): gnomAD exomes 0.00004; ExAC 0.00012; gnomAD 0.00015; 1000 Genomes Project 30x 0.00016; TOPMed 0.00018.
gnomAD v4.1: 50 of 1,537,150 alleles (0.0033%); highest among the groups gnomAD compares: African/African-American, 0.046%; no homozygotes.

Submissions (3):

Labcorp Genetics (formerly Invitae), Labcorp
Classification: Likely benign. Last evaluated: 2024-03-04. Review status: criteria provided, single submitter. Criteria: Invitae Variant Classification Sherloc (09022015). Collection method: clinical testing. Allele origin: germline.

Women's Health and Genetics/Laboratory Corporation of America, LabCorp
Classification: Likely benign. Last evaluated: 2022-01-11. Review status: criteria provided, single submitter. Criteria: LabCorp Variant Classification Summary - May 2015. Collection method: clinical testing. Allele origin: germline.
Comment: Variant summary: LOXHD1 c.2640C>T alters a conserved nucleotide resulting in a synonymous change. 4/4 computational tools predict no significant impact on normal splicing. However, these predictions have yet to be confirmed by functional studies. The variant allele was found at a frequency of 4.2e-05 in 143536 control chromosomes (gnomAD). The available data on variant occurrences in the general population are insufficient to allow any conclusion about variant significance. To our knowledge, no occurrence of c.2640C>T in individuals affected with Nonsyndromic Hearing Loss And Deafness, Type 77 and no experimental evidence demonstrating its impact on protein function have been reported. A ClinVar submitter (evaluation after 2014) cites the variant as likely benign. Based on the evidence outlined above, the variant was classified as likely benign.

Breakthrough Genomics
Classification: Likely benign. Review status: criteria provided, single submitter. Criteria: ACMG Guidelines, 2015. Collection method: not provided. Allele origin: germline. Inheritance: Autosomal recessive inheritance. Affected: yes.

NM_001384474.1(LOXHD1):c.2640C>T (p.Leu880=)

Gene: LOXHD1 (lipoxygenase homology PLAT domains 1; minus strand). Cytogenetic location: 18q21.1.
Variant type: single nucleotide variant.
Coding change: c.2640C>T on transcript NM_001384474.1 (MANE Select); coding-DNA position 2640, C replaced by T.
Protein change: p.Leu880=; no amino-acid change (leucine 880 retained).
Molecular consequence: synonymous variant.
Genome position (GRCh38, 1-based): chr18:46,560,504, G>A on the plus strand (C>T on the coding strand, the complement: LOXHD1 is on the minus strand). VCF-style: chr18-46560504-G-A. GRCh37 (hg19) VCF-style: chr18-44140467-G-A.
Other names: c.2640C>T, p.Leu880= (NM_144612.7).
Identifiers: ClinVar variation 1080594 (VCV001080594.11), dbSNP rs374614343, ClinGen allele CA8952642.